The following is an entry in ClinVar:

NM_014862.4(ARNT2):c.536T>C (p.Phe179Ser)

Gene: ARNT2 (aryl hydrocarbon receptor nuclear translocator 2; plus strand). Cytogenetic location: 15q25.1.
Variant type: single nucleotide variant.
Coding change: c.536T>C on transcript NM_014862.4 (MANE Select); coding-DNA position 536, T replaced by C.
Protein change: p.Phe179Ser; replaces phenylalanine 179 with serine.
Molecular consequence: missense variant.
Genome position (GRCh38, 1-based): chr15:80,475,137, T>C. VCF-style: chr15-80475137-T-C. GRCh37 (hg19) VCF-style: chr15-80767478-T-C.
Other names: short protein forms F179S.
Identifiers: ClinVar variation 1962459 (VCV001962459.5), dbSNP rs1389904013, ClinGen allele CA393654400.

ClinVar aggregate classification (germline): Uncertain significance (1 of 4 stars; one submission).

Allele frequency attached by ClinVar (database versions not stated): gnomAD exomes below 0.00001; TOPMed 0.00001.
gnomAD v4.1: 1 of 1,614,210 alleles (0.000062%); highest among the groups gnomAD compares: Non-Finnish European, 0.000085%; no homozygotes.

Submission:

Labcorp Genetics (formerly Invitae), Labcorp
Classification: Uncertain significance. Last evaluated: 2022-02-25. Review status: criteria provided, single submitter. Criteria: Invitae Variant Classification Sherloc (09022015). Collection method: clinical testing. Allele origin: germline.
Comment: In summary, the available evidence is currently insufficient to determine the role of this variant in disease. Therefore, it has been classified as a Variant of Uncertain Significance. Algorithms developed to predict the effect of missense changes on protein structure and function are either unavailable or do not agree on the potential impact of this missense change (SIFT: "Deleterious"; PolyPhen-2: "Benign"; Align-GVGD: "Class C0"). This variant has not been reported in the literature in individuals affected with ARNT2-related conditions. This variant is not present in population databases (gnomAD no frequency). This sequence change replaces phenylalanine, which is neutral and non-polar, with serine, which is neutral and polar, at codon 179 of the ARNT2 protein (p.Phe179Ser).